The following is an entry in ClinVar:

NM_004360.5(CDH1):c.1034T>A (p.Val345Asp)

Gene: CDH1 (cadherin 1; plus strand). Cytogenetic location: 16q22.1.
Variant type: single nucleotide variant.
Coding change: c.1034T>A on transcript NM_004360.5 (MANE Select); coding-DNA position 1034, T replaced by A.
Protein change: p.Val345Asp; replaces valine 345 with aspartic acid.
Molecular consequence: missense variant. On other transcripts: 5 prime UTR variant (2).
Genome position (GRCh38, 1-based): chr16:68,812,160, T>A. VCF-style: chr16-68812160-T-A. GRCh37 (hg19) VCF-style: chr16-68846063-T-A.
Other names: c.1034T>A, p.Val345Asp (NM_001317184.2); c.-582T>A (NM_001317185.2); c.-786T>A (NM_001317186.2); short protein forms V345D.
Identifiers: ClinVar variation 5033971 (VCV005033971.1).

ClinVar aggregate classification (germline): Uncertain significance (1 of 4 stars; one submission).

Conditions:
Hereditary cancer-predisposing syndrome. Also called: Neoplastic Syndromes, Hereditary; Tumor predisposition; Hereditary neoplastic syndrome; Hereditary Cancer Syndrome. Identifiers: Orphanet 140162, MedGen C0027672, MeSH D009386, MONDO:0015356.

Submission:

Ambry Genetics
Classification: Uncertain significance for Hereditary cancer-predisposing syndrome. Last evaluated: 2026-07-07. Review status: criteria provided, single submitter. Criteria: Ambry Variant Classification Scheme 2023. Collection method: clinical testing. Allele origin: germline.
Comment: The p.V345D variant (also known as c.1034T>A), located in coding exon 8 of the CDH1 gene, results from a T to A substitution at nucleotide position 1034. The valine at codon 345 is replaced by aspartic acid, an amino acid with highly dissimilar properties. This amino acid position is conserved. In addition, this alteration is predicted to be deleterious by in silico analysis. Based on the available evidence, the clinical significance of this variant remains unclear.